The following is an entry in ClinVar:

ClinVar aggregate classification (germline): Likely benign (1 of 4 stars; one submission).

Allele frequency attached by ClinVar (database versions not stated): TOPMed 0.00389; gnomAD 0.00421; ESP Exome Variant Server 0.00423; ExAC 0.00441; 1000 Genomes Project 30x 0.00219; 1000 Genomes Project 0.00260.
gnomAD v4.1: 10,806 of 1,612,946 alleles (0.67%); highest among the groups gnomAD compares: Non-Finnish European, 0.83%; 55 homozygotes.

Submission:

CeGaT Center for Human Genetics Tuebingen
Classification: Likely benign. Last evaluated: 2022-07-01. Review status: criteria provided, single submitter. Criteria: CeGaT Center For Human Genetics Tuebingen Variant Classification Criteria Version 2. Collection method: clinical testing. Allele origin: germline. Affected: yes. Observed: 1 variant allele.
Comment: GBP5: BP4, BP7

NM_052942.5(GBP5):c.1737C>T (p.Asn579=)

Gene: GBP5 (guanylate binding protein 5; minus strand). Cytogenetic location: 1p22.2.
Variant type: single nucleotide variant.
Coding change: c.1737C>T on transcript NM_052942.5 (MANE Select); coding-DNA position 1737, C replaced by T.
Protein change: p.Asn579=; no amino-acid change (asparagine 579 retained).
Molecular consequence: synonymous variant.
Genome position (GRCh38, 1-based): chr1:89,260,728, G>A on the plus strand (C>T on the coding strand, the complement: GBP5 is on the minus strand). VCF-style: chr1-89260728-G-A. GRCh37 (hg19) VCF-style: chr1-89726411-G-A.
Other names: c.1737C>T, p.Asn579= (NM_001134486.4); c.1452C>T, p.Asn484= (NM_001391920.1).
Identifiers: ClinVar variation 2638925 (VCV002638925.24), dbSNP rs61729738, ClinGen allele CA941909.